The following is an entry in ClinVar:

ClinVar aggregate classification (germline): Uncertain significance (1 of 4 stars; one submission).

gnomAD v4.1: 83 of 1,596,752 alleles (0.0052%); highest among the groups gnomAD compares: Middle Eastern, 0.017%; no homozygotes.

Submission:

GeneDx
Classification: Uncertain significance. Last evaluated: 2024-10-04. Review status: criteria provided, single submitter. Criteria: GeneDx Variant Classification Process June 2021. Collection method: clinical testing. Allele origin: germline. Affected: yes.
Comment: Has not been previously published as pathogenic or benign to our knowledge; In silico analysis supports that this missense variant has a deleterious effect on protein structure/function

NM_014396.4(VPS41):c.1246C>G (p.Arg416Gly)

Gene: VPS41 (VPS41 subunit of HOPS complex; minus strand). Cytogenetic location: 7p14.1.
Variant type: single nucleotide variant.
Coding change: c.1246C>G on transcript NM_014396.4 (MANE Select); coding-DNA position 1246, C replaced by G.
Protein change: p.Arg416Gly; replaces arginine 416 with glycine.
Molecular consequence: missense variant.
Genome position (GRCh38, 1-based): chr7:38,767,538, G>C on the plus strand (C>G on the coding strand, the complement: VPS41 is on the minus strand). VCF-style: chr7-38767538-G-C. GRCh37 (hg19) VCF-style: chr7-38807138-G-C.
Other names: c.1171C>G, p.Arg391Gly (NM_080631.4); short protein forms R391G, R416G.
Identifiers: ClinVar variation 3776363 (VCV003776363.1).